The following is an entry in ClinVar:

NM_001366521.1(ATP2B1):c.1564T>A (p.Cys522Ser)

Gene: ATP2B1 (ATPase plasma membrane Ca2+ transporting 1; minus strand). Cytogenetic location: 12q21.33.
Variant type: single nucleotide variant.
Coding change: c.1564T>A on transcript NM_001366521.1 (MANE Select); coding-DNA position 1564, T replaced by A.
Protein change: p.Cys522Ser; replaces cysteine 522 with serine.
Molecular consequence: missense variant. On other transcripts: non-coding transcript variant (3), intron variant (1).
Genome position (GRCh38, 1-based): chr12:89,621,572, A>T on the plus strand (T>A on the coding strand, the complement: ATP2B1 is on the minus strand). VCF-style: chr12-89621572-A-T. GRCh37 (hg19) VCF-style: chr12-90015349-A-T.
Other names: c.1564T>A, p.Cys522Ser (NM_001001323.2, NM_001366520.1, NM_001366522.1 and 12 more transcripts); c.1366T>A, p.Cys456Ser (NM_001366530.1, NM_001413053.1); c.1003T>A, p.Cys335Ser (NM_001366531.1, NM_001366532.1, NM_001413058.1 and 2 more transcripts); c.1525T>A, p.Cys509Ser (NM_001413048.1); c.1423T>A, p.Cys475Ser (NM_001413051.1, NM_001413052.1, NM_001413055.1); c.1309T>A, p.Cys437Ser (NM_001413056.1); c.1111T>A, p.Cys371Ser (NM_001413057.1); c.1345-1332T>A (NM_001413054.1); short protein forms C335S, C371S, C437S, C456S, C475S, C509S, C522S.
Identifiers: ClinVar variation 4680993 (VCV004680993.1).

ClinVar aggregate classification (germline): Uncertain significance (1 of 4 stars; one submission).

Submission:

GeneDx
Classification: Uncertain significance. Last evaluated: 2025-07-02. Review status: criteria provided, single submitter. Criteria: GeneDx Variant Classification Process June 2021. Collection method: clinical testing. Allele origin: germline. Affected: yes.
Comment: Not observed at significant frequency in large population cohorts (gnomAD); In silico analysis suggests that this missense variant does not alter protein structure/function; Has not been previously published as pathogenic or benign to our knowledge